The following is an entry in ClinVar:

NM_004235.6(KLF4):c.1225A>C (p.Lys409Gln)

Gene: KLF4 (KLF transcription factor 4; minus strand). Cytogenetic location: 9q31.2.
Variant type: single nucleotide variant.
Coding change: c.1225A>C on transcript NM_004235.6 (MANE Select); coding-DNA position 1225, A replaced by C.
Protein change: p.Lys409Gln; replaces lysine 409 with glutamine.
Molecular consequence: missense variant.
Genome position (GRCh38, 1-based): chr9:107,487,067, T>G on the plus strand (A>C on the coding strand, the complement: KLF4 is on the minus strand). VCF-style: chr9-107487067-T-G. GRCh37 (hg19) VCF-style: chr9-110249348-T-G.
Other names: c.1327A>C, p.Lys443Gln (NM_001314052.2); short protein forms K409Q, K443Q.
Identifiers: ClinVar variation 3897726 (VCV003897726.1).
Genomic context (GRCh38, chr9:107,487,067, plus strand): 5'-TTCTGCAGTTTGTCCCCCTACCTGTGTGGGTTCGCAGGTGTGCCTTGAGATGGGAACTCT[T>G]TGTGTAGGTTTTGCCGCAGCCCGCGTAATCACAAGTGTGGGTGGCGGTCCTTTTCCGGGG-3'
Protein context (NP_004226.3, residues 399-419): DYAGCGKTYT[Lys409Gln]SSHLKAHLRT

ClinVar aggregate classification (oncogenicity): Likely oncogenic (1 of 4 stars; one submission).

Conditions:
Meningioma. Also called: Meningioma, somatic. Identifiers: Orphanet 2495, MedGen C0025286, MONDO:0016642, HP:0002858.

Submission:

Dr. Guy Rouleau's laboratory, McGill University
Classification: Likely oncogenic for Meningioma. Last evaluated: 2025-03-30. Review status: criteria provided, single submitter. Criteria: ClinGen/CGC/VICC Guidelines for Oncogenicity, 2022. Collection method: research. Allele origin: somatic. Affected: yes.
Comment: This missense variant, located at position 409 in the KLF4 gene, results in the substitution of Lysine (K), a basic amino acid, with Glutamine (Q), a neutral and polar amino acid. This somatic variant was identified in a paired tumor-blood sequencing study of meningiomas. Functional studies have demonstrated that this variant enhances hypoxic signaling and plays a role in the adaptation of tumor cells to anaerobic environments (PMIDs: 32245394, 35996584). It has been reported in meningiomas and is associated with the secretory subtype (PMIDs: 23348505, 23404370, 26227255, 31653806, 34343686). This variant has not been reported in population databases (gnomAD v2.1.1: no frequency).